The following is an entry in ClinVar:

ClinVar aggregate classification (germline): Uncertain significance (1 of 4 stars; one submission).

Conditions:
Hereditary cancer-predisposing syndrome. Also called: Neoplastic Syndromes, Hereditary; Tumor predisposition; Hereditary neoplastic syndrome; Hereditary Cancer Syndrome. Identifiers: Orphanet 140162, MedGen C0027672, MeSH D009386, MONDO:0015356.

gnomAD v4.1: 1 of 1,611,986 alleles (0.000062%); highest among the groups gnomAD compares: Non-Finnish European, 0.000085%; no homozygotes.

Submission:

Ambry Genetics
Classification: Uncertain significance for Hereditary cancer-predisposing syndrome. Last evaluated: 2026-07-07. Review status: criteria provided, single submitter. Criteria: Ambry Variant Classification Scheme 2023. Collection method: clinical testing. Allele origin: germline.
Comment: The p.D78H variant (also known as c.232G>C), located in coding exon 1 of the TMEM127 gene, results from a G to C substitution at nucleotide position 232. The aspartic acid at codon 78 is replaced by histidine, an amino acid with similar properties. This amino acid position is conserved. In addition, this alteration is predicted to be tolerated by in silico analysis. Based on the available evidence, the clinical significance of this variant remains unclear.

NM_017849.4(TMEM127):c.232G>C (p.Asp78His)

Gene: TMEM127 (transmembrane protein 127; minus strand). Cytogenetic location: 2q11.2.
Variant type: single nucleotide variant.
Coding change: c.232G>C on transcript NM_017849.4 (MANE Select); coding-DNA position 232, G replaced by C.
Protein change: p.Asp78His; replaces aspartic acid 78 with histidine.
Molecular consequence: missense variant. On other transcripts: intron variant (1).
Genome position (GRCh38, 1-based): chr2:96,265,150, C>G on the plus strand (G>C on the coding strand, the complement: TMEM127 is on the minus strand). VCF-style: chr2-96265150-C-G. GRCh37 (hg19) VCF-style: chr2-96930888-C-G.
Other names: c.232G>C, p.Asp78His (NM_001193304.3); c.-9+719G>C (NM_001407283.1); short protein forms D78H.
Identifiers: ClinVar variation 5030927 (VCV005030927.1).